The following is an entry in ClinVar:

ClinVar aggregate classification (germline): Uncertain significance (1 of 4 stars; one submission).

Conditions:
Skin creases, congenital symmetric circumferential, 2 (CSCSC2). Identifiers: MedGen C4225225, MONDO:0014755, OMIM 616734.

Allele frequency attached by ClinVar (database versions not stated): gnomAD exomes below 0.00001.

Submission:

3billion
Classification: Uncertain significance for Skin creases, congenital symmetric circumferential, 2. Last evaluated: 2022-09-01. Review status: criteria provided, single submitter. Criteria: ACMG Guidelines, 2015. Collection method: clinical testing. Allele origin: germline. Affected: yes. Observed: 1 heterozygote.
Comment: The variant is observed at an extremely low frequency in the gnomAD v2.1.1 dataset (total allele frequency: <0.001%). Missense changes are a common disease-causing mechanism. Therefore, this variant is classified as uncertain significance according to the recommendation of ACMG/AMP guideline.

NM_014268.4(MAPRE2):c.367G>A (p.Ala123Thr)

Gene: MAPRE2 (microtubule associated protein RP/EB family member 2; plus strand). Cytogenetic location: 18q12.1.
Variant type: single nucleotide variant.
Coding change: c.367G>A on transcript NM_014268.4 (MANE Select); coding-DNA position 367, G replaced by A.
Protein change: p.Ala123Thr; replaces alanine 123 with threonine.
Molecular consequence: missense variant. On other transcripts: non-coding transcript variant (1).
Genome position (GRCh38, 1-based): chr18:35,097,562, G>A. VCF-style: chr18-35097562-G-A. GRCh37 (hg19) VCF-style: chr18-32677526-G-A.
Other names: c.238G>A, p.Ala80Thr (NM_001143826.3); c.331G>A, p.Ala111Thr (NM_001143827.3); c.208G>A, p.Ala70Thr (NM_001256420.2); short protein forms A111T, A123T, A70T, A80T.
Identifiers: ClinVar variation 1705460 (VCV001705460.1), dbSNP rs1174180030, ClinGen allele CA402276476.
Genomic context (GRCh38, chr18:35,097,562, plus strand): 5'-AAAGTAAAATTTCAAGCAAAGCTGGAACATGAATATATTCACAATTTTAAACTTCTGCAA[G>A]CATCATTTAAGCGAATGAACGTTGATAAGGTAGGAGACTTGTACCTCCATAAAATGTGTT-3'
Protein context (NP_055083.1, residues 113-133): EYIHNFKLLQ[Ala123Thr]SFKRMNVDKV